The following is an entry in ClinVar:

ClinVar aggregate classification (germline): Conflicting classifications of pathogenicity. Review status: criteria provided, conflicting classifications (1 of 4 stars). 2 submissions from 1 submitter: Uncertain significance (1); Benign (1). Last evaluated 2018-01-13.

Conditions:
3-Methylglutaconic aciduria type 3 (MGCA3). Also called: OPA3, AUTOSOMAL RECESSIVE; OPA3-Related 3-Methylglutaconic Aciduria; Costeff Syndrome; OPTIC ATROPHY 3, AUTOSOMAL RECESSIVE. Identifiers: Orphanet 67047, MedGen C0574084, MONDO:0009787, OMIM 258501.
Optic atrophy 3 (OPA3). Also called: OPTIC ATROPHY 3, AUTOSOMAL DOMINANT; Optic atrophy, cataract, and neurologic disorder; Optic atrophy 3 with cataract. Identifiers: Orphanet 67036, MedGen C1833809, MONDO:0008133, OMIM 165300.

Allele frequency attached by ClinVar (database versions not stated): gnomAD 0.00017 and 0.00027; TOPMed 0.00032; 1000 Genomes Project 30x 0.00141; 1000 Genomes Project 0.00160.

Submissions (2):

Illumina Laboratory Services, Illumina
Classification: Uncertain significance for 3-Methylglutaconic aciduria type 3. Last evaluated: 2018-01-13. Review status: criteria provided, single submitter. Criteria: ICSL Variant Classification Criteria 13 December 2019. Collection method: clinical testing. Allele origin: germline.

Illumina Laboratory Services, Illumina
Classification: Benign for Optic atrophy 3. Last evaluated: 2018-01-13. Review status: criteria provided, single submitter. Criteria: ICSL Variant Classification Criteria 13 December 2019. Collection method: clinical testing. Allele origin: germline.
Comment: This variant was observed in the ICSL laboratory as part of a predisposition screen in an ostensibly healthy population. It had not been previously curated by ICSL or reported in the Human Gene Mutation Database (HGMD: prior to June 1st, 2018), and was therefore a candidate for classification through an automated scoring system. Utilizing variant allele frequency, disease prevalence and penetrance estimates, and inheritance mode, an automated score was calculated to assess if this variant is too frequent to cause the disease. Based on the score and internal cut-off values, a variant classified as benign is not then subjected to further curation. The score for this variant resulted in a classification of benign for this disease.

NM_025136.4(OPA3):c.*6626G>A

Genes: OPA3 (outer mitochondrial membrane lipid metabolism regulator OPA3; minus strand), OPA3-RTN2 (OPA3-RTN2 readthrough; minus strand). Cytogenetic location: 19q13.32.
Variant type: single nucleotide variant.
Coding change: c.*6626G>A on transcript NM_025136.4 (MANE Select); 6626 bases downstream of the stop codon, G replaced by A.
Molecular consequence: 3 prime UTR variant. On other transcripts: intron variant (1).
Genome position (GRCh38, 1-based): chr19:45,546,888, C>T on the plus strand (G>A on the coding strand, the complement: OPA3 is on the minus strand). VCF-style: chr19-45546888-C-T. GRCh37 (hg19) VCF-style: chr19-46050146-C-T.
Other names: c.143-17432G>A (NM_001017989.3).
Identifiers: ClinVar variation 893857 (VCV000893857.4), dbSNP rs139757997, ClinGen allele CA308953185.